The following is an entry in ClinVar:

ClinVar aggregate classification (germline): Uncertain significance (1 of 4 stars; one submission).

Conditions:
Cardiovascular phenotype. Identifiers: MedGen CN230736.

gnomAD v4.1: 6 of 1,614,174 alleles (0.00037%); highest among the groups gnomAD compares: East Asian, 0.0045%; no homozygotes.

Submission:

Ambry Genetics
Classification: Uncertain significance for Cardiovascular phenotype. Last evaluated: 2025-05-24. Review status: criteria provided, single submitter. Criteria: Ambry Variant Classification Scheme 2023. Collection method: clinical testing. Allele origin: germline.
Comment: The p.H458R variant (also known as c.1373A>G), located in coding exon 10 of the SOS2 gene, results from an A to G substitution at nucleotide position 1373. The histidine at codon 458 is replaced by arginine, an amino acid with highly similar properties. This amino acid position is conserved. In addition, the in silico prediction for this alteration is inconclusive. Based on the available evidence, the clinical significance of this variant remains unclear.

NM_006939.4(SOS2):c.1373A>G (p.His458Arg)

Gene: SOS2 (SOS Ras/Rho guanine nucleotide exchange factor 2; minus strand). Cytogenetic location: 14q21.3.
Variant type: single nucleotide variant.
Coding change: c.1373A>G on transcript NM_006939.4 (MANE Select); coding-DNA position 1373, A replaced by G.
Protein change: p.His458Arg; replaces histidine 458 with arginine.
Molecular consequence: missense variant.
Genome position (GRCh38, 1-based): chr14:50,159,910, T>C on the plus strand (A>G on the coding strand, the complement: SOS2 is on the minus strand). VCF-style: chr14-50159910-T-C. GRCh37 (hg19) VCF-style: chr14-50626628-T-C.
Other names: c.1274A>G, p.His425Arg (NM_001411020.1); short protein forms H425R, H458R.
Identifiers: ClinVar variation 3959853 (VCV003959853.1).